The following is an entry in ClinVar:

NM_001042492.3(NF1):c.2618G>A (p.Arg873His)

Gene: NF1 (neurofibromin 1; plus strand). Cytogenetic location: 17q11.2.
Variant type: single nucleotide variant.
Coding change: c.2618G>A on transcript NM_001042492.3 (MANE Select); coding-DNA position 2618, G replaced by A.
Protein change: p.Arg873His; replaces arginine 873 with histidine.
Molecular consequence: missense variant.
Genome position (GRCh38, 1-based): chr17:31,229,233, G>A. VCF-style: chr17-31229233-G-A. GRCh37 (hg19) VCF-style: chr17-29556251-G-A.
Other names: c.2618G>A, p.Arg873His (NM_000267.4); short protein forms R873H.
Identifiers: ClinVar variation 481877 (VCV000481877.17), dbSNP rs949092641, ClinGen allele CA289336163.
Genomic context (GRCh38, chr17:31,229,233, plus strand): 5'-AGCAGAGAAGCAATTCTGGCCTGGCAACCTATAGCCCACCCATGGGTCCAGTCAGTGAAC[G>A]TAAGGGTTCTATGATTTCAGTGATGTCTTCAGAGGGAAACGCAGATACACCTGTCAGCAA-3'
Protein context (NP_001035957.1, residues 863-883): YSPPMGPVSE[Arg873His]KGSMISVMSS

ClinVar aggregate classification (germline): Conflicting classifications of pathogenicity. Review status: criteria provided, conflicting classifications (1 of 4 stars). 5 submissions from 5 submitters: Uncertain significance (4); Likely benign (1). Last evaluated 2025-10-29.

Conditions:
Hereditary cancer-predisposing syndrome. Also called: Hereditary neoplastic syndrome; Neoplastic Syndromes, Hereditary; Tumor predisposition; Hereditary Cancer Syndrome. Identifiers: Orphanet 140162, MedGen C0027672, MeSH D009386, MONDO:0015356.
Cardiovascular phenotype. Identifiers: MedGen CN230736.
Neurofibromatosis, type 1 (NF1). Also called: VON RECKLINGHAUSEN DISEASE; Peripheral type neurofibromatosis; NEUROFIBROMATOSIS, TYPE I, SOMATIC; Neurofibromatosis, type I. Identifiers: Orphanet 636, MedGen C0027831, MONDO:0018975, OMIM 162200. Disease mechanism: loss of function.

Allele frequency attached by ClinVar (database versions not stated): gnomAD exomes below 0.00001; gnomAD 0.00001; TOPMed 0.00002.

Submissions (5):

Labcorp Genetics (formerly Invitae), Labcorp
Classification: Likely benign for Neurofibromatosis, type 1. Last evaluated: 2025-10-29. Review status: criteria provided, single submitter. Criteria: Invitae Variant Classification Sherloc (09022015). Collection method: clinical testing. Allele origin: germline.

GeneDx
Classification: Uncertain significance. Last evaluated: 2023-11-03. Review status: criteria provided, single submitter. Criteria: GeneDx Variant Classification Process June 2021. Collection method: clinical testing. Allele origin: germline. Affected: yes.
Comment: In silico analysis supports that this missense variant has a deleterious effect on protein structure/function; Has not been previously published as pathogenic or benign in association with neurodevelopmental disorders to our knowledge; This variant is associated with the following publications: (PMID: 23913538, 33471991, 2121369, 25486365)

Genome-Nilou Lab
Classification: Uncertain significance for Neurofibromatosis, type 1. Last evaluated: 2022-03-15. Review status: criteria provided, single submitter. Criteria: ACMG Guidelines, 2015. Collection method: clinical testing. Allele origin: germline. Affected: no.

Ambry Genetics
Classification: Uncertain significance for Cardiovascular phenotype; Hereditary cancer-predisposing syndrome. Last evaluated: 2022-03-07. Review status: criteria provided, single submitter. Criteria: Ambry Variant Classification Scheme 2023. Collection method: clinical testing. Allele origin: germline.

Sema4
Classification: Uncertain significance for Hereditary cancer-predisposing syndrome. Last evaluated: 2021-06-23. Review status: criteria provided, single submitter. Criteria: Sema4 Curation Guidelines. Collection method: curation. Allele origin: germline.
Comment: The NF1 c.2618G>A (p.R873H) variant has been reported in heterozygosity in two individuals with breast cancer but also in three healthy controls from a breast cancer case control study (PMID: 33471991). This variant was observed in 1/34574 chromosomes in the Latino subpopulation in the large and broad cohorts of the Genome Aggregation Database (PMID: 32461654). The variant has been reported in ClinVar (Variation ID: 481877). In silico tools suggest the impact of the variant on protein function is inconclusive, though these predictions have not been confirmed by functional studies. The evidence is insufficient to meet ACMG/AMP criteria for classifying the variant as benign or pathogenic. Thus, the clinical significance of this variant is currently uncertain.

Literature cited by the submitters: PubMed 33471991 (cited by Sema4).